The following is an entry in ClinVar:

NM_005188.4(CBL):c.1822C>T (p.Pro608Ser)

Gene: CBL (Cbl proto-oncogene; plus strand). Cytogenetic location: 11q23.3.
Variant type: single nucleotide variant.
Coding change: c.1822C>T on transcript NM_005188.4 (MANE Select); coding-DNA position 1822, C replaced by T.
Protein change: p.Pro608Ser; replaces proline 608 with serine.
Molecular consequence: missense variant.
Genome position (GRCh38, 1-based): chr11:119,285,447, C>T. VCF-style: chr11-119285447-C-T. GRCh37 (hg19) VCF-style: chr11-119156157-C-T.
Other names: c.1822C>T (NM_005188.2); short protein forms P608S.
Identifiers: ClinVar variation 1442877 (VCV001442877.10), dbSNP rs763666786, ClinGen allele CA382920568.
Genomic context (GRCh38, chr11:119,285,447, plus strand): 5'-GACTCATGGCTGCCCCGGCCAATCCCCAAAGTACCAGTATCTGCCCCAAGTTCCAGTGAT[C>T]CCTGGACAGGAAGAGAATTAACCAACCGGCACTCACTTCCATTTTCATTGCCCTCACAAA-3'
Protein context (NP_005179.2, residues 598-618): VPVSAPSSSD[Pro608Ser]WTGRELTNRH

ClinVar aggregate classification (germline): Uncertain significance. Review status: criteria provided, multiple submitters, no conflicts (2 of 4 stars). 3 submissions from 3 submitters: Uncertain significance (3). Last evaluated 2024-12-20.

Conditions:
Cardiovascular phenotype. Identifiers: MedGen CN230736.
RASopathy. Also called: Noonan spectrum disorder; rasopathies. Identifiers: Orphanet 536391, MedGen C5555857, MONDO:0021060.

gnomAD v4.1: 4 of 1,614,212 alleles (0.00025%); highest among the groups gnomAD compares: South Asian, 0.0011%; no homozygotes.

Submissions (3):

Ambry Genetics
Classification: Uncertain significance for Cardiovascular phenotype. Last evaluated: 2024-12-20. Review status: criteria provided, single submitter. Criteria: Ambry Variant Classification Scheme 2023. Collection method: clinical testing. Allele origin: germline.
Comment: The p.P608S variant (also known as c.1822C>T), located in coding exon 11 of the CBL gene, results from a C to T substitution at nucleotide position 1822. The proline at codon 608 is replaced by serine, an amino acid with similar properties. This amino acid position is conserved. In addition, this alteration is predicted to be tolerated by in silico analysis. Based on the available evidence, the clinical significance of this variant remains unclear.

Labcorp Genetics (formerly Invitae), Labcorp
Classification: Uncertain significance for RASopathy. Last evaluated: 2024-06-24. Review status: criteria provided, single submitter. Criteria: Invitae Variant Classification Sherloc (09022015). Collection method: clinical testing. Allele origin: germline.
Comment: This sequence change replaces proline, which is neutral and non-polar, with serine, which is neutral and polar, at codon 608 of the CBL protein (p.Pro608Ser). This variant is not present in population databases (gnomAD no frequency). This variant has not been reported in the literature in individuals affected with CBL-related conditions. ClinVar contains an entry for this variant (Variation ID: 1442877). Advanced modeling of protein sequence and biophysical properties (such as structural, functional, and spatial information, amino acid conservation, physicochemical variation, residue mobility, and thermodynamic stability) performed at Invitae indicates that this missense variant is not expected to disrupt CBL protein function with a negative predictive value of 95%. In summary, the available evidence is currently insufficient to determine the role of this variant in disease. Therefore, it has been classified as a Variant of Uncertain Significance.

Breakthrough Genomics
Classification: Uncertain significance. Review status: criteria provided, single submitter. Criteria: ACMG Guidelines, 2015. Collection method: not provided. Allele origin: germline. Inheritance: Autosomal dominant inheritance. Affected: yes.